The following is an entry in ClinVar:

ClinVar aggregate classification (germline): Uncertain significance. Review status: criteria provided, multiple submitters, no conflicts (2 of 4 stars). 2 submissions from 2 submitters: Uncertain significance (2). Last evaluated 2026-07-29.

Conditions:
Inborn genetic diseases. Identifiers: MedGen C0950123, MeSH D030342.
Epidermolysis bullosa simplex 5C, with pyloric atresia (EBS5C). Also called: PLEC-Related Epidermolysis Bullosa with Pyloric Atresia; Epidermolysis bullosa simplex with pyloric atresia; PLEC1-Related Epidermolysis Bullosa with Pyloric Atresia. Identifiers: Orphanet 158684, MedGen C2677349, MONDO:0012807, OMIM 612138.
Autosomal recessive limb-girdle muscular dystrophy type 2Q (LGMDR17). Also called: MUSCULAR DYSTROPHY, LIMB-GIRDLE, AUTOSOMAL RECESSIVE 17. Identifiers: Orphanet 254361, MedGen C3150989, MONDO:0013390, OMIM 613723.
Epidermolysis bullosa simplex with nail dystrophy (EBS5D). Identifiers: MedGen C4225309, MONDO:0014661, OMIM 616487.
Epidermolysis bullosa simplex 5B, with muscular dystrophy (EBS5B). Also called: Epidermolysis bullosa simplex with muscular dystrophy; EPIDERMOLYSIS BULLOSA SIMPLEX AND LIMB-GIRDLE MUSCULAR DYSTROPHY. Identifiers: Orphanet 257, MedGen C2931072, MONDO:0009181, OMIM 226670.
Epidermolysis bullosa simplex, Ogna type (EBS5A). Also called: Pidermolysis bullosa simplex 5A, Ogna type; EPIDERMOLYSIS BULLOSA SIMPLEX 5A, OGNA TYPE. Identifiers: Orphanet 79401, MedGen C0432317, MONDO:0007555, OMIM 131950.

Allele frequency attached by ClinVar (database versions not stated): ExAC 0.00001; gnomAD exomes 0.00001; gnomAD 0.00005 and 0.00006; TOPMed 0.00006.
gnomAD v4.1: 25 of 1,612,950 alleles (0.0015%); highest among the groups gnomAD compares: African/African-American, 0.017%; no homozygotes.

Submissions (2):

Ambry Genetics
Classification: Uncertain significance for Inborn genetic diseases. Last evaluated: 2026-07-29. Review status: criteria provided, single submitter. Criteria: Ambry Variant Classification Scheme 2023. Collection method: clinical testing. Allele origin: germline.

Labcorp Genetics (formerly Invitae), Labcorp
Classification: Uncertain significance for Autosomal recessive limb-girdle muscular dystrophy type 2Q; Epidermolysis bullosa simplex, Ogna type; Epidermolysis bullosa simplex with nail dystrophy; Epidermolysis bullosa simplex 5C, with pyloric atresia; Epidermolysis bullosa simplex 5B, with muscular dystrophy. Last evaluated: 2024-08-30. Review status: criteria provided, single submitter. Criteria: Invitae Variant Classification Sherloc (09022015). Collection method: clinical testing. Allele origin: germline.
Comment: This sequence change replaces asparagine, which is neutral and polar, with serine, which is neutral and polar, at codon 2734 of the PLEC protein (p.Asn2734Ser). This variant is present in population databases (rs782802158, gnomAD 0.02%). This variant has not been reported in the literature in individuals affected with PLEC-related conditions. ClinVar contains an entry for this variant (Variation ID: 471657). An algorithm developed to predict the effect of missense changes on protein structure and function (PolyPhen-2) suggests that this variant is likely to be tolerated. In summary, the available evidence is currently insufficient to determine the role of this variant in disease. Therefore, it has been classified as a Variant of Uncertain Significance.

NM_201384.3(PLEC):c.8120A>G (p.Asn2707Ser)

Gene: PLEC (plectin; minus strand). Cytogenetic location: 8q24.3.
Variant type: single nucleotide variant.
Coding change: c.8120A>G on transcript NM_201384.3 (MANE Select); coding-DNA position 8120, A replaced by G.
Protein change: p.Asn2707Ser; replaces asparagine 2707 with serine.
Molecular consequence: missense variant.
Genome position (GRCh38, 1-based): chr8:143,921,701, T>C on the plus strand (A>G on the coding strand, the complement: PLEC is on the minus strand). VCF-style: chr8-143921701-T-C. GRCh37 (hg19) VCF-style: chr8-144995869-T-C.
Other names: c.8201A>G (NM_000445.3); c.8201A>G, p.Asn2734Ser (NM_000445.5); c.8078A>G, p.Asn2693Ser (NM_201378.4); c.8054A>G, p.Asn2685Ser (NM_201379.3); c.8531A>G, p.Asn2844Ser (NM_201380.4); c.8024A>G, p.Asn2675Ser (NM_201381.3); c.8120A>G, p.Asn2707Ser (NM_201382.4); c.8132A>G, p.Asn2711Ser (NM_201383.3); short protein forms N2707S, N2675S, N2734S, N2844S, N2685S, N2693S, N2711S.
Identifiers: ClinVar variation 471657 (VCV000471657.8), dbSNP rs782802158, ClinGen allele CA4925413.